The following is an entry in ClinVar:

ClinVar aggregate classification (germline): Benign. Review status: criteria provided, multiple submitters, no conflicts (2 of 4 stars). 10 submissions from 8 submitters: Benign (10). Last evaluated 2026-02-04.

Conditions:
Primary ciliary dyskinesia. Also called: Ciliary dyskinesia. Identifiers: Orphanet 244, MedGen C0008780, MONDO:0016575, HP:0012265.
X-linked cone-rod dystrophy 1 (CORDX1). Identifiers: Orphanet 1872, MedGen C1844776, MONDO:0010566, OMIM 304020.
Macular degeneration, X-linked atrophic. Identifiers: Orphanet 1872, MedGen C3151784, MONDO:0010443, OMIM 300834.
Retinitis pigmentosa 3. Also called: CHOROIDORETINAL DEGENERATION WITH RETINAL REFLEX IN HETEROZYGOUS WOMEN. Identifiers: Orphanet 791, MedGen C1845667, MONDO:0010227, OMIM 300029.

Allele frequency attached by ClinVar (database versions not stated): gnomAD 0.20121 and 0.19976; ESP Exome Variant Server 0.22129; gnomAD exomes 0.19744 and 0.24622; ExAC 0.25822; 1000 Genomes Project 0.14066; 1000 Genomes Project 30x 0.14214; TOPMed 0.19199.
gnomAD v4.1: 282,751 of 1,169,750 alleles (24%); highest among the groups gnomAD compares: Middle Eastern, 39%; 25,733 homozygotes.

Submissions (10):

Labcorp Genetics (formerly Invitae), Labcorp
Classification: Benign for Primary ciliary dyskinesia. Last evaluated: 2026-02-04. Review status: criteria provided, single submitter. Criteria: Invitae Variant Classification Sherloc (09022015). Collection method: clinical testing. Allele origin: germline.

Blueprint Genetics
Classification: Benign. Last evaluated: 2024-11-28. Review status: criteria provided, single submitter. Criteria: ACMG Guidelines, 2015. Collection method: clinical testing. Allele origin: germline.

Women's Health and Genetics/Laboratory Corporation of America, LabCorp
Classification: Benign. Last evaluated: 2024-01-11. Review status: criteria provided, single submitter. Criteria: LabCorp Variant Classification Summary - May 2015. Collection method: clinical testing. Allele origin: germline.

Genome-Nilou Lab
Classification: Benign for X-linked cone-rod dystrophy 1. Last evaluated: 2021-11-07. Review status: criteria provided, single submitter. Criteria: ACMG Guidelines, 2015. Collection method: clinical testing. Allele origin: germline. Affected: no.

Genome-Nilou Lab
Classification: Benign for Macular degeneration, X-linked atrophic. Last evaluated: 2021-11-07. Review status: criteria provided, single submitter. Criteria: ACMG Guidelines, 2015. Collection method: clinical testing. Allele origin: germline. Affected: no.

Genome-Nilou Lab
Classification: Benign for Retinitis pigmentosa 3. Last evaluated: 2021-11-07. Review status: criteria provided, single submitter. Criteria: ACMG Guidelines, 2015. Collection method: clinical testing. Allele origin: germline. Affected: no.

GeneDx
Classification: Benign. Last evaluated: 2018-07-05. Review status: criteria provided, single submitter. Criteria: GeneDx Variant Classification Process June 2021. Collection method: clinical testing. Allele origin: germline. Affected: yes.

Laboratory for Molecular Medicine, Mass General Brigham Personalized Medicine
Classification: Benign. Last evaluated: 2014-11-24. Review status: criteria provided, single submitter. Criteria: LMM Criteria. Collection method: clinical testing. Allele origin: germline. Observed: 22 variant alleles.
Comment: 2241+11T>C in intron 18A of RPGR: This variant is not expected to have clinical significance because it is not located within the conserved splice consensus seq uence. It has been identified in 28.8% (1940/6727) of European American chromoso mes from a broad population by the NHLBI Exome Sequencing Project (.; dbSNP rs4084271).

Breakthrough Genomics
Classification: Benign. Review status: criteria provided, single submitter. Criteria: ACMG Guidelines, 2015. Collection method: not provided. Allele origin: germline. Inheritance: X-linked inheritance. Affected: yes.

PreventionGenetics, part of Exact Sciences
Classification: Benign. Review status: criteria provided, single submitter. Criteria: ACMG Guidelines, 2015. Collection method: clinical testing. Allele origin: germline.

NM_000328.3(RPGR):c.2241+11T>C

Gene: RPGR (retinitis pigmentosa GTPase regulator; minus strand). Cytogenetic location: Xp11.4.
Variant type: single nucleotide variant.
Coding change: c.2241+11T>C on transcript NM_000328.3; 11 bases into the intron after coding-DNA position 2241, T replaced by C.
Molecular consequence: intron variant.
Genome position (GRCh38, 1-based): chrX:38,273,375, A>G on the plus strand (T>C on the coding strand, the complement: RPGR is on the minus strand). VCF-style: chrX-38273375-A-G. GRCh37 (hg19) VCF-style: chrX-38132628-A-G.
Other names: c.1905+11T>C (NM_001367249.1, NM_001367250.1); c.2238+11T>C (NM_001367245.1); c.1722+11T>C (NM_001367251.1); c.2055+11T>C (NM_001367246.1); c.1908+11T>C (NM_001367247.1); c.1938+11T>C (NM_001367248.1).
Identifiers: ClinVar variation 227048 (VCV000227048.20), dbSNP rs4084271, ClinGen allele CA10385071.